The following is an entry in ClinVar:

ClinVar aggregate classification (germline): Likely benign (1 of 4 stars; one submission).

gnomAD v4.1: 111 of 1,607,106 alleles (0.0069%); highest among the groups gnomAD compares: Admixed American, 0.041%; no homozygotes.

Submission:

CeGaT Center for Human Genetics Tuebingen
Classification: Likely benign. Last evaluated: 2025-01-01. Review status: criteria provided, single submitter. Criteria: CeGaT Center For Human Genetics Tuebingen Variant Classification Criteria Version 2. Collection method: clinical testing. Allele origin: germline. Affected: yes. Observed: 1 variant allele.
Comment: FBXW11: BP4, BP7

NM_001378974.1(FBXW11):c.810T>C (p.Asp270=)

Gene: FBXW11 (F-box and WD repeat domain containing 11; minus strand). Cytogenetic location: 5q35.1.
Variant type: single nucleotide variant.
Coding change: c.810T>C on transcript NM_001378974.1 (MANE Select); coding-DNA position 810, T replaced by C.
Protein change: p.Asp270=; no amino-acid change (aspartic acid 270 retained).
Molecular consequence: synonymous variant.
Genome position (GRCh38, 1-based): chr5:171,891,509, A>G on the plus strand (T>C on the coding strand, the complement: FBXW11 is on the minus strand). VCF-style: chr5-171891509-A-G. GRCh37 (hg19) VCF-style: chr5-171318513-A-G.
Other names: c.741T>C, p.Asp247= (NM_001378975.1); c.714T>C, p.Asp238= (NM_001378976.1); c.651T>C, p.Asp217= (NM_001378977.1, NM_001378978.1, NM_001378979.1); c.645T>C, p.Asp215= (NM_001378980.1, NM_033645.3); c.747T>C, p.Asp249= (NM_012300.3); c.708T>C, p.Asp236= (NM_033644.3).
Identifiers: ClinVar variation 3770599 (VCV003770599.13).